The following is an entry in ClinVar:

ClinVar aggregate classification (germline): Uncertain significance. Review status: criteria provided, multiple submitters, no conflicts (2 of 4 stars). 2 submissions from 2 submitters: Uncertain significance (2). Last evaluated 2026-04-22.

Conditions:
Inborn genetic diseases. Identifiers: MedGen C0950123, MeSH D030342.
Chédiak-Higashi syndrome (CHS). Also called: Chediak-Higashi Syndrome. Identifiers: Orphanet 167, MedGen C0007965, MONDO:0008963, OMIM 214500.

Allele frequency attached by ClinVar (database versions not stated): gnomAD exomes below 0.00001.
gnomAD v4.1: 1 of 1,614,202 alleles (0.000062%); highest among the groups gnomAD compares: Non-Finnish European, 0.000085%; no homozygotes.

Submissions (2):

Ambry Genetics
Classification: Uncertain significance for Inborn genetic diseases. Last evaluated: 2026-04-22. Review status: criteria provided, single submitter. Criteria: Ambry Variant Classification Scheme 2023. Collection method: clinical testing. Allele origin: germline.

Labcorp Genetics (formerly Invitae), Labcorp
Classification: Uncertain significance for Chédiak-Higashi syndrome. Last evaluated: 2025-09-15. Review status: criteria provided, single submitter. Criteria: Invitae Variant Classification Sherloc (09022015). Collection method: clinical testing. Allele origin: germline.
Comment: This sequence change replaces threonine, which is neutral and polar, with proline, which is neutral and non-polar, at codon 2242 of the LYST protein (p.Thr2242Pro). This variant is not present in population databases (gnomAD no frequency). This variant has not been reported in the literature in individuals affected with LYST-related conditions. ClinVar contains an entry for this variant (Variation ID: 1349822). Invitae Evidence Modeling of protein sequence and biophysical properties (such as structural, functional, and spatial information, amino acid conservation, physicochemical variation, residue mobility, and thermodynamic stability) indicates that this missense variant is not expected to disrupt LYST protein function with a negative predictive value of 80%. In summary, the available evidence is currently insufficient to determine the role of this variant in disease. Therefore, it has been classified as a Variant of Uncertain Significance.

NM_000081.4(LYST):c.6724A>C (p.Thr2242Pro)

Gene: LYST (lysosomal trafficking regulator; minus strand). Cytogenetic location: 1q42.3.
Variant type: single nucleotide variant.
Coding change: c.6724A>C on transcript NM_000081.4 (MANE Select); coding-DNA position 6724, A replaced by C.
Protein change: p.Thr2242Pro; replaces threonine 2242 with proline.
Molecular consequence: missense variant.
Genome position (GRCh38, 1-based): chr1:235,759,129, T>G on the plus strand (A>C on the coding strand, the complement: LYST is on the minus strand). VCF-style: chr1-235759129-T-G. GRCh37 (hg19) VCF-style: chr1-235922429-T-G.
Other names: c.6724A>C, p.Thr2242Pro (NM_001301365.1); c.6724A>C (NM_000081.2); short protein forms T2242P.
Identifiers: ClinVar variation 1349822 (VCV001349822.8), dbSNP rs1667328867, ClinGen allele CA344939684.